The following is an entry in ClinVar:

ClinVar aggregate classification (germline): Benign/Likely benign. Review status: criteria provided, multiple submitters, no conflicts (2 of 4 stars). 2 submissions from 2 submitters: Benign (1); Likely benign (1). Last evaluated 2026-01-25.

Conditions:
Aortic aneurysm, familial thoracic 4 (AAT4). Also called: AORTIC ANEURYSM/AORTIC DISSECTION AND PATENT DUCTUS ARTERIOSUS. Identifiers: MedGen C1851504, MONDO:0007568, OMIM 132900.

Allele frequency attached by ClinVar (database versions not stated): TOPMed 0.00002; gnomAD 0.00004; ESP Exome Variant Server 0.00015; 1000 Genomes Project 30x 0.00016.
gnomAD v4.1: 155 of 1,604,952 alleles (0.0097%); highest among the groups gnomAD compares: East Asian, 0.016%; no homozygotes.

Submissions (2):

Labcorp Genetics (formerly Invitae), Labcorp
Classification: Likely benign for Aortic aneurysm, familial thoracic 4. Last evaluated: 2026-01-25. Review status: criteria provided, single submitter. Criteria: Invitae Variant Classification Sherloc (09022015). Collection method: clinical testing. Allele origin: germline.

Women's Health and Genetics/Laboratory Corporation of America, LabCorp
Classification: Benign. Last evaluated: 2024-04-09. Review status: criteria provided, single submitter. Criteria: LabCorp Variant Classification Summary - May 2015. Collection method: clinical testing. Allele origin: germline.
Comment: Variant summary: MYH11 c.1885+19G>A alters a non-conserved nucleotide located at a position not widely known to affect splicing. Several computational tools predict a significant impact on normal splicing: Four predict the variant no significant impact on splicing. Three predict the variant creates a 3' acceptor site. However, these predictions have yet to be confirmed by functional studies. The variant allele was found at a frequency of 9.7e-05 in 1604952 control chromosomes (gnomAD 4.0.0) . The observed variant frequency is approximately 80 fold of the estimated maximal expected allele frequency for a pathogenic variant in MYH11 causing Aortopathy phenotype (1.3e-06), strongly suggesting that the variant is benign. To our knowledge, no occurrence of c.1885+19G>A in individuals affected with Aortopathy and no experimental evidence demonstrating its impact on protein function have been reported. ClinVar contains an entry for this variant (Variation ID: 917675). Based on the evidence outlined above, the variant was classified as benign.

NM_002474.3(MYH11):c.1864+19G>A

Gene: MYH11 (myosin heavy chain 11; minus strand). Cytogenetic location: 16p13.11.
Variant type: single nucleotide variant.
Coding change: c.1864+19G>A on transcript NM_002474.3 (MANE Select); 19 bases into the intron after coding-DNA position 1864, G replaced by A.
Molecular consequence: intron variant.
Genome position (GRCh38, 1-based): chr16:15,753,375, C>T on the plus strand (G>A on the coding strand, the complement: MYH11 is on the minus strand). VCF-style: chr16-15753375-C-T. GRCh37 (hg19) VCF-style: chr16-15847232-C-T.
Other names: c.1864+19G>A (NM_022844.3); c.1885+19G>A (NM_001040114.2, NM_001040113.2).
Identifiers: ClinVar variation 917675 (VCV000917675.7), dbSNP rs200979632, ClinGen allele CA7922490.
Genomic context (GRCh38, chr16:15,753,375, plus strand): 5'-AGGTGTGAGAGTCGGGGGACTTGGGTGTTCAATTCTCCAGCTCAAAGCAGAACATGGACC[C>T]GAGCAGAGAAGGCCTTACCGTCCTTCCACAGGTCGGCCACAAACTTGTCGGAGGAGGCAT-3'